The following is an entry in ClinVar:

NM_001037.5(SCN1B):c.207+7G>A

Gene: SCN1B (sodium voltage-gated channel beta subunit 1; plus strand). Cytogenetic location: 19q13.11.
Variant type: single nucleotide variant.
Coding change: c.207+7G>A on transcript NM_001037.5 (MANE Select); 7 bases into the intron after coding-DNA position 207, G replaced by A.
Molecular consequence: intron variant.
Genome position (GRCh38, 1-based): chr19:35,032,701, G>A. VCF-style: chr19-35032701-G-A. GRCh37 (hg19) VCF-style: chr19-35523605-G-A.
Other names: c.207+7G>A (NM_199037.5); c.108+7G>A (NM_001321605.2).
Identifiers: ClinVar variation 138989 (VCV000138989.9), dbSNP rs374588869, ClinGen allele CA293204.

ClinVar aggregate classification (germline): Benign/Likely benign. Review status: criteria provided, multiple submitters, no conflicts (2 of 4 stars). 2 submissions from 2 submitters: Benign (1); Likely benign (1). Last evaluated 2025-12-16.

Conditions:
Brugada syndrome 5 (BRGDA5). Identifiers: Orphanet 130, Orphanet 871, MedGen C2748541, MONDO:0013015, OMIM 612838.

Allele frequency attached by ClinVar (database versions not stated): ExAC 0.00005; gnomAD exomes 0.00005; ESP Exome Variant Server 0.00008; gnomAD 0.00015 and 0.00016; TOPMed 0.00023.
gnomAD v4.1: 60 of 1,613,488 alleles (0.0037%); highest among the groups gnomAD compares: African/African-American, 0.047%; no homozygotes.

Submissions (2):

Labcorp Genetics (formerly Invitae), Labcorp
Classification: Likely benign for Brugada syndrome 5. Last evaluated: 2025-12-16. Review status: criteria provided, single submitter. Criteria: Invitae Variant Classification Sherloc (09022015). Collection method: clinical testing. Allele origin: germline.

GeneDx
Classification: Benign. Last evaluated: 2013-04-25. Review status: criteria provided, single submitter. Criteria: GeneDx Variant Classification (06012015). Collection method: clinical testing. Allele origin: germline. Affected: yes.
Comment: This variant is considered likely benign or benign based on one or more of the following criteria: it is a conservative change, it occurs at a poorly conserved position in the protein, it is predicted to be benign by multiple in silico algorithms, and/or has population frequency not consistent with disease.